The following is an entry in ClinVar:

NM_000051.4(ATM):c.5453G>A (p.Gly1818Asp)

Gene: ATM (ATM serine/threonine kinase; plus strand). Cytogenetic location: 11q22.3.
Variant type: single nucleotide variant.
Coding change: c.5453G>A on transcript NM_000051.4 (MANE Select); coding-DNA position 5453, G replaced by A.
Protein change: p.Gly1818Asp; replaces glycine 1818 with aspartic acid.
Molecular consequence: missense variant.
Genome position (GRCh38, 1-based): chr11:108,302,986, G>A. VCF-style: chr11-108302986-G-A. GRCh37 (hg19) VCF-style: chr11-108173713-G-A.
Other names: c.5453G>A, p.Gly1818Asp (NM_001351834.2); short protein forms G1818D.
Identifiers: ClinVar variation 1747626 (VCV001747626.2), dbSNP rs2135930276, ClinGen allele CA382544242.

ClinVar aggregate classification (germline): Uncertain significance (1 of 4 stars; one submission).

Conditions:
Hereditary cancer-predisposing syndrome. Also called: Hereditary Cancer Syndrome; Neoplastic Syndromes, Hereditary; Tumor predisposition; Hereditary neoplastic syndrome. Identifiers: Orphanet 140162, MedGen C0027672, MeSH D009386, MONDO:0015356.

Submission:

Ambry Genetics
Classification: Uncertain significance for Hereditary cancer-predisposing syndrome. Last evaluated: 2021-07-05. Review status: criteria provided, single submitter. Criteria: Ambry Variant Classification Scheme 2023. Collection method: clinical testing. Allele origin: germline.
Comment: The p.G1818D variant (also known as c.5453G>A), located in coding exon 35 of the ATM gene, results from a G to A substitution at nucleotide position 5453. The glycine at codon 1818 is replaced by aspartic acid, an amino acid with similar properties. This amino acid position is conserved. In addition, the in silico prediction for this alteration is inconclusive. Since supporting evidence is limited at this time, the clinical significance of this alteration remains unclear.